The following is an entry in ClinVar:

NM_014236.4(GNPAT):c.1308G>A (p.Pro436=)

Gene: GNPAT (glyceronephosphate O-acyltransferase; plus strand). Cytogenetic location: 1q42.2.
Variant type: single nucleotide variant.
Coding change: c.1308G>A on transcript NM_014236.4 (MANE Select); coding-DNA position 1308, G replaced by A.
Protein change: p.Pro436=; no amino-acid change (proline 436 retained).
Molecular consequence: synonymous variant.
Genome position (GRCh38, 1-based): chr1:231,270,786, G>A. VCF-style: chr1-231270786-G-A. GRCh37 (hg19) VCF-style: chr1-231406532-G-A.
Other names: c.1125G>A, p.Pro375= (NM_001316350.2).
Identifiers: ClinVar variation 296125 (VCV000296125.17), dbSNP rs151138534, ClinGen allele CA1452000.
Genomic context (GRCh38, chr1:231,270,786, plus strand): 5'-ATCTTGTTTGAATGAATTGTCTTTGTGTGTAGATAATAAACCTGCTGAAGAAGTTGTCCC[G>A]GCCAGCATTCTTCTGCATTCCAACATTGCCAGCCTTGTCAAAGACCAGGTGATTCTGAAA-3'
Protein context (NP_055051.1, residues 426-446): PDNKPAEEVV[Pro436=]ASILLHSNIA

ClinVar aggregate classification (germline): Benign/Likely benign. Review status: criteria provided, multiple submitters, no conflicts (2 of 4 stars). 5 submissions from 5 submitters: Benign (2); Likely benign (3). Last evaluated 2026-07-01.

Conditions:
Rhizomelic chondrodysplasia punctata type 2 (RCDP2). Also called: DIHYDROXYACETONEPHOSPHATE ACYLTRANSFERASE DEFICIENCY; glyceronephosphate O-acyltransferase (GNPAT) deficiency; Glyceronephosphate O-acyltransferase deficiency; DHAPAT DEFICIENCY; PEROXISOMAL DIHYDROXYACETONEPHOSPHATE ACYLTRANSFERASE DEFICIENCY; Chondrodysplasia punctata, rhizomelic, due to dihydroxyacetonephosphate acyltransferase deficiency. Identifiers: Orphanet 177, Orphanet 309796, MedGen C1857242, MONDO:0100273, OMIM 222765. Disease mechanism: loss of function.

Allele frequency attached by ClinVar (database versions not stated): gnomAD 0.00005 and 0.00031; ESP Exome Variant Server 0.00015; gnomAD exomes 0.00124 and 0.00055; ExAC 0.00147; TOPMed 0.00008; 1000 Genomes Project 30x 0.00219; 1000 Genomes Project 0.00240.
gnomAD v4.1: 849 of 1,613,908 alleles (0.053%); highest among the groups gnomAD compares: South Asian, 0.85%; 14 homozygotes.

Submissions (5):

CeGaT Center for Human Genetics Tuebingen
Classification: Likely benign. Last evaluated: 2026-07-01. Review status: criteria provided, single submitter. Criteria: CeGaT Center For Human Genetics Tuebingen Variant Classification Criteria Version 2. Collection method: clinical testing. Allele origin: germline. Affected: yes. Observed: 1 variant allele.
Comment: GNPAT: BP4, BP7, BS2

Labcorp Genetics (formerly Invitae), Labcorp
Classification: Benign. Last evaluated: 2026-01-17. Review status: criteria provided, single submitter. Criteria: Invitae Variant Classification Sherloc (09022015). Collection method: clinical testing. Allele origin: germline.

Blueprint Genetics
Classification: Likely benign. Last evaluated: 2024-10-08. Review status: criteria provided, single submitter. Criteria: ACMG Guidelines, 2015. Collection method: clinical testing. Allele origin: germline.

ARUP Laboratories, Molecular Genetics and Genomics, ARUP Laboratories
Classification: Benign for Rhizomelic chondrodysplasia punctata type 2. Last evaluated: 2024-07-05. Review status: criteria provided, single submitter. Criteria: ARUP Molecular Germline Variant Investigation Process 2024. Collection method: clinical testing. Allele origin: germline.

Illumina Laboratory Services, Illumina
Classification: Likely benign for Rhizomelic chondrodysplasia punctata type 2. Last evaluated: 2018-01-13. Review status: criteria provided, single submitter. Criteria: ICSL Variant Classification Criteria 13 December 2019. Collection method: clinical testing. Allele origin: germline.
Comment: This variant was observed in the ICSL laboratory as part of a predisposition screen in an ostensibly healthy population. It had not been previously curated by ICSL or reported in the Human Gene Mutation Database (HGMD: prior to June 1st, 2018), and was therefore a candidate for classification through an automated scoring system. Utilizing variant allele frequency, disease prevalence and penetrance estimates, and inheritance mode, an automated score was calculated to assess if this variant is too frequent to cause the disease. Based on the score and internal cut-off values, a variant classified as likely benign is not then subjected to further curation. The score for this variant resulted in a classification of likely benign for this disease.